The following is an entry in ClinVar:

ClinVar aggregate classification (germline): Benign. Review status: criteria provided, multiple submitters, no conflicts (2 of 4 stars). 2 submissions from 2 submitters: Benign (2). Last evaluated 2018-07-27.

Conditions:
Congenital muscular dystrophy due to partial LAMA2 deficiency. Identifiers: MedGen C1842898.

Allele frequency attached by ClinVar (database versions not stated): gnomAD 0.02370 and 0.02533; 1000 Genomes Project 0.02416; 1000 Genomes Project 30x 0.02592; TOPMed 0.02599.
gnomAD v4.1: 6,548 of 1,435,648 alleles (0.46%); highest among the groups gnomAD compares: African/African-American, 8.2%; 256 homozygotes.

Submissions (2):

GeneDx
Classification: Benign. Last evaluated: 2018-07-27. Review status: criteria provided, single submitter. Criteria: GeneDx Variant Classification Process June 2021. Collection method: clinical testing. Allele origin: germline. Affected: yes.

Illumina Laboratory Services, Illumina
Classification: Benign for Congenital muscular dystrophy due to partial LAMA2 deficiency. Last evaluated: 2018-01-12. Review status: criteria provided, single submitter. Criteria: ICSL Variant Classification Criteria 13 December 2019. Collection method: clinical testing. Allele origin: germline.
Comment: This variant was observed in the ICSL laboratory as part of a predisposition screen in an ostensibly healthy population. It had not been previously curated by ICSL or reported in the Human Gene Mutation Database (HGMD: prior to June 1st, 2018), and was therefore a candidate for classification through an automated scoring system. Utilizing variant allele frequency, disease prevalence and penetrance estimates, and inheritance mode, an automated score was calculated to assess if this variant is too frequent to cause the disease. Based on the score and internal cut-off values, a variant classified as benign is not then subjected to further curation. The score for this variant resulted in a classification of benign for this disease.

NM_000426.4(LAMA2):c.-72G>A

Gene: LAMA2 (laminin subunit alpha 2; plus strand). Cytogenetic location: 6q22.33.
Variant type: single nucleotide variant.
Coding change: c.-72G>A on transcript NM_000426.4 (MANE Select); 72 bases upstream of the start codon, G replaced by A.
Molecular consequence: 5 prime UTR variant.
Genome position (GRCh38, 1-based): chr6:128,883,174, G>A. VCF-style: chr6-128883174-G-A. GRCh37 (hg19) VCF-style: chr6-129204319-G-A.
Other names: c.-72G>A (NM_001079823.2).
Identifiers: ClinVar variation 355236 (VCV000355236.7), dbSNP rs10080633, ClinGen allele CA10622895.
Genomic context (GRCh38, chr6:128,883,174, plus strand): 5'-AAAGCCAGAGGGGGCTGTCTCCTCCTCTTCCCCAGCAGCTGCTGCTCGCTCAGCTCACAA[G>A]CCAAGGCCAGGGGACAGGGCGGCAGCGACTCCTCTGGCTCCCGAGAAGTGGATCCGGTCG-3'